The following is an entry in ClinVar:

ClinVar aggregate classification (germline): Likely benign (0 of 4 stars; one submission).

Conditions:
TIAM1-related disorder. Also called: TIAM1-related condition.

gnomAD v4.1: 2 of 1,614,174 alleles (0.00012%); highest among the groups gnomAD compares: Non-Finnish European, 0.00017%; no homozygotes.

Submission:

PreventionGenetics, part of Exact Sciences
Classification: Likely benign for TIAM1-related condition. Last evaluated: 2019-06-04. Review status: no assertion criteria provided. Collection method: clinical testing. Allele origin: germline.
Comment: This variant is classified as likely benign based on ACMG/AMP sequence variant interpretation guidelines (Richards et al. 2015 PMID: 25741868, with internal and published modifications).

NM_001353694.2(TIAM1):c.3084G>A (p.Gln1028=)

Gene: TIAM1 (TIAM Rac1 associated GEF 1; minus strand). Cytogenetic location: 21q22.11.
Variant type: single nucleotide variant.
Coding change: c.3084G>A on transcript NM_001353694.2 (MANE Select); coding-DNA position 3084, G replaced by A.
Protein change: p.Gln1028=; no amino-acid change (glutamine 1028 retained).
Molecular consequence: synonymous variant.
Genome position (GRCh38, 1-based): chr21:31,154,334, C>T on the plus strand (G>A on the coding strand, the complement: TIAM1 is on the minus strand). VCF-style: chr21-31154334-C-T. GRCh37 (hg19) VCF-style: chr21-32526652-C-T.
Other names: c.183G>A, p.Gln61= (NM_001353684.2); c.108G>A, p.Gln36= (NM_001353685.2); c.3009G>A, p.Gln1003= (NM_001353686.2, NM_001353687.2); c.3084G>A, p.Gln1028= (NM_001353688.1, NM_001353689.1, NM_001353690.1 and 4 more transcripts).
Identifiers: ClinVar variation 3043893 (VCV003043893.2), dbSNP rs748689883, ClinGen allele CA512096027.
Genomic context (GRCh38, chr21:31,154,334, plus strand): 5'-GAGCTCGCAGATCACCTTGCGCAGCTTATCTGCATCCGAGAGTTGTCTCATGGTCGCCAG[C>T]TGAGGCCCCGTGGAGTCCTGAGGAGATGGGCTCTGGTCAGAGGGGTTCATCTCATGCAAA-3'
Protein context (NP_001340623.1, residues 1018-1038): SPSPQDSTGP[Gln1028=]LATMRQLSDA